The following is an entry in ClinVar:

ClinVar aggregate classification (germline): Uncertain significance. Review status: criteria provided, multiple submitters, no conflicts (2 of 4 stars). 4 submissions from 4 submitters: Uncertain significance (4). Last evaluated 2024-05-19.

Conditions:
Hereditary cancer-predisposing syndrome. Also called: Hereditary neoplastic syndrome; Hereditary Cancer Syndrome; Neoplastic Syndromes, Hereditary; Tumor predisposition. Identifiers: Orphanet 140162, MedGen C0027672, MeSH D009386, MONDO:0015356.
Hereditary diffuse gastric adenocarcinoma (HDGC). Also called: DIFFUSE GASTRIC AND LOBULAR BREAST CANCER SYNDROME. Identifiers: Orphanet 26106, MedGen C1708349, MONDO:0007648, OMIM 137215.

Submissions (4):

Ambry Genetics
Classification: Uncertain significance for Hereditary cancer-predisposing syndrome. Last evaluated: 2024-05-19. Review status: criteria provided, single submitter. Criteria: Ambry Variant Classification Scheme 2023. Collection method: clinical testing. Allele origin: germline.
Comment: The p.L21P variant (also known as c.62T>C), located in coding exon 2 of the CDH1 gene, results from a T to C substitution at nucleotide position 62. The leucine at codon 21 is replaced by proline, an amino acid with similar properties. This amino acid position is conserved. In addition, the in silico prediction for this alteration is inconclusive. Based on the available evidence, the clinical significance of this variant remains unclear.

Color Diagnostics, LLC DBA Color Health
Classification: Uncertain significance for Hereditary cancer-predisposing syndrome. Last evaluated: 2023-12-04. Review status: criteria provided, single submitter. Criteria: ACMG Guidelines, 2015. Collection method: clinical testing. Allele origin: germline.
Comment: This missense variant replaces leucine with proline at codon 21 of the CDH1 protein. To our knowledge, functional studies have not been reported for this variant. This variant has not been reported in individuals affected with CDH1-related disorders in the literature. This variant has not been identified in the general population by the Genome Aggregation Database (gnomAD). The available evidence is insufficient to determine the role of this variant in disease conclusively. Therefore, this variant is classified as a Variant of Uncertain Significance.

Labcorp Genetics (formerly Invitae), Labcorp
Classification: Uncertain significance for Hereditary diffuse gastric adenocarcinoma. Last evaluated: 2021-10-06. Review status: criteria provided, single submitter. Criteria: Invitae Variant Classification Sherloc (09022015). Collection method: clinical testing. Allele origin: germline.
Comment: In summary, the available evidence is currently insufficient to determine the role of this variant in disease. Therefore, it has been classified as a Variant of Uncertain Significance. Algorithms developed to predict the effect of missense changes on protein structure and function (SIFT, PolyPhen-2, Align-GVGD) all suggest that this variant is likely to be tolerated. ClinVar contains an entry for this variant (Variation ID: 421115). This variant has not been reported in the literature in individuals affected with CDH1-related conditions. This variant is not present in population databases (ExAC no frequency). This sequence change replaces leucine with proline at codon 21 of the CDH1 protein (p.Leu21Pro). The leucine residue is moderately conserved and there is a moderate physicochemical difference between leucine and proline.

GeneDx
Classification: Uncertain significance. Last evaluated: 2016-05-04. Review status: criteria provided, single submitter. Criteria: GeneDx Variant Classification (06012015). Collection method: clinical testing. Allele origin: germline. Affected: yes.
Comment: This variant is denoted CDH1 c.62T>C at the cDNA level, p.Leu21Pro (L21P) at the protein level, and results in the change of a Leucine to a Proline (CTC>CCC). This variant has not, to our knowledge, been published in the literature as pathogenic or benign. CDH1 Leu21Pro was not observed in approximately 5,000 individuals of European and African American ancestry in the NHLBI Exome Sequencing Project, suggesting it is not a common benign variant in these populations. Since Leucine and Proline differ in some properties, this is considered a semi-conservative amino acid substitution. CDH1 Leu21Pro occurs at a position that is not conserved and is located within the protein signal peptide (Brooks-Wilson 2004, Figueiredo 2013). In silico analyses predict that this variant is unlikely to alter protein structure or function. Based on currently available evidence, it is unclear whether CDH1 Leu21Pro is a pathogenic or benign variant. We consider it to be a variant of uncertain significance.

NM_004360.5(CDH1):c.62T>C (p.Leu21Pro)

Gene: CDH1 (cadherin 1; plus strand). Cytogenetic location: 16q22.1.
Variant type: single nucleotide variant.
Coding change: c.62T>C on transcript NM_004360.5 (MANE Select); coding-DNA position 62, T replaced by C.
Protein change: p.Leu21Pro; replaces leucine 21 with proline.
Molecular consequence: missense variant. On other transcripts: 5 prime UTR variant (2).
Genome position (GRCh38, 1-based): chr16:68,738,310, T>C. VCF-style: chr16-68738310-T-C. GRCh37 (hg19) VCF-style: chr16-68772213-T-C.
Other names: c.62T>C (LRG_301t1); c.62T>C, p.Leu21Pro (NM_001317184.2); c.-1554T>C (NM_001317185.2); c.-1758T>C (NM_001317186.2); short protein forms L21P.
Identifiers: ClinVar variation 421115 (VCV000421115.13), dbSNP rs1064794920, ClinGen allele CA16620229.